The following is an entry in ClinVar:

ClinVar aggregate classification (germline): Uncertain significance. Review status: criteria provided, multiple submitters, no conflicts (2 of 4 stars). 3 submissions from 3 submitters: Uncertain significance (3). Last evaluated 2025-02-28.

Conditions:
Ataxia-telangiectasia syndrome (AT). Also called: ATAXIA-TELANGIECTASIA, COMPLEMENTATION GROUP A; ATAXIA-TELANGIECTASIA, FRESNO VARIANT; Ataxia-telangiectasia; Ataxia-telangiectasia, complementation group D; AT, COMPLEMENTATION GROUP C; Ataxia-telangiectasia, complementation group E. Identifiers: Orphanet 100, MedGen C0004135, MONDO:0008840, OMIM 208900.
Malignant tumor of breast. Also called: Malignant breast neoplasm; Cancer breast. Identifiers: MedGen C0006142, MONDO:0007254. Disease mechanism: loss of function.
Hereditary cancer-predisposing syndrome. Also called: Tumor predisposition; Neoplastic Syndromes, Hereditary; Hereditary Cancer Syndrome; Hereditary neoplastic syndrome. Identifiers: Orphanet 140162, MedGen C0027672, MeSH D009386, MONDO:0015356.

Allele frequency attached by ClinVar (database versions not stated): gnomAD exomes below 0.00001.
gnomAD v4.1: 2 of 1,604,200 alleles (0.00012%); highest among the groups gnomAD compares: Non-Finnish European, 0.00017%; no homozygotes.

Submissions (3):

Labcorp Genetics (formerly Invitae), Labcorp
Classification: Uncertain significance for Ataxia-telangiectasia syndrome. Last evaluated: 2025-02-28. Review status: criteria provided, single submitter. Criteria: Invitae Variant Classification Sherloc (09022015). Collection method: clinical testing. Allele origin: germline.
Comment: This sequence change replaces tyrosine, which is neutral and polar, with serine, which is neutral and polar, at codon 2755 of the ATM protein (p.Tyr2755Ser). This variant is not present in population databases (gnomAD no frequency). This missense change has been observed in individual(s) with chronic lymphocytic leukemia (PMID: 27479817). ClinVar contains an entry for this variant (Variation ID: 806732). Invitae Evidence Modeling of protein sequence and biophysical properties (such as structural, functional, and spatial information, amino acid conservation, physicochemical variation, residue mobility, and thermodynamic stability) indicates that this missense variant is expected to disrupt ATM protein function with a positive predictive value of 95%. Experimental studies are conflicting or provide insufficient evidence to determine the effect of this variant on ATM function (PMID: 36029002). In summary, the available evidence is currently insufficient to determine the role of this variant in disease. Therefore, it has been classified as a Variant of Uncertain Significance.

Ambry Genetics
Classification: Uncertain significance for Hereditary cancer-predisposing syndrome. Last evaluated: 2024-06-26. Review status: criteria provided, single submitter. Criteria: Ambry Variant Classification Scheme 2023. Collection method: clinical testing. Allele origin: germline.
Comment: The p.Y2755S variant (also known as c.8264A>C), located in coding exon 55 of the ATM gene, results from an A to C substitution at nucleotide position 8264. The tyrosine at codon 2755 is replaced by serine, an amino acid with dissimilar properties. This amino acid position is highly conserved in available vertebrate species. In addition, this alteration is predicted to be deleterious by in silico analysis. Based on the available evidence, the clinical significance of this variant remains unclear.

Women's Health and Genetics/Laboratory Corporation of America, LabCorp
Classification: Uncertain significance. Last evaluated: 2024-05-13. Review status: criteria provided, single submitter. Criteria: LabCorp Variant Classification Summary - May 2015. Collection method: clinical testing. Allele origin: germline.
Comment: Variant summary: ATM c.8264A>C (p.Tyr2755Ser) results in a non-conservative amino acid change located in the Phosphatidylinositol 3-/4-kinase, catalytic domain (IPR000403) of the encoded protein sequence. Five of five in-silico tools predict a damaging effect of the variant on protein function. The variant was absent in 250688 control chromosomes (gnomAD). The available data on variant occurrences in the general population are insufficient to allow any conclusion about variant significance. c.8264A>C has been reported in the literature in individuals affected with chronic lymphocytic leukemia (e.g., Navrkalova_2016, Petrackova_2022), although whether the variant was of germline or somatic origin was unclear. The variant was also identified in individuals undergoing genetic testing for hereditary cancer, including at least one individual with no history of cancer (e.g., Slavin_2019). These reports do not provide unequivocal conclusions about association of the variant with ATM-related disorders. At least one publication reports experimental evidence evaluating an impact on protein function, however, does not allow convincing conclusions about the variant effect (e.g., Petrackova_2022). The following publications have been ascertained in the context of this evaluation (PMID: 27479817, 36029002, 31056428). ClinVar contains an entry for this variant (Variation ID: 806732). Based on the evidence outlined above, the variant was classified as uncertain significance.

Literature cited by the submitters: PubMed 27479817 (cited by Labcorp Genetics (formerly Invitae), Labcorp and Women's Health and Genetics/Laboratory Corporation of America, LabCorp); PubMed 36029002 (cited by Labcorp Genetics (formerly Invitae), Labcorp and Women's Health and Genetics/Laboratory Corporation of America, LabCorp); PubMed 31056428 (cited by Women's Health and Genetics/Laboratory Corporation of America, LabCorp).

NM_000051.4(ATM):c.8264A>C (p.Tyr2755Ser)

Genes: ATM (ATM serine/threonine kinase; plus strand), C11orf65 (chromosome 11 open reading frame 65; minus strand). Cytogenetic location: 11q22.3.
Variant type: single nucleotide variant.
Coding change: c.8264A>C on transcript NM_000051.4 (MANE Select); coding-DNA position 8264, A replaced by C.
Protein change: p.Tyr2755Ser; replaces tyrosine 2755 with serine.
Molecular consequence: missense variant. On other transcripts: intron variant (2).
Genome position (GRCh38, 1-based): chr11:108,335,957, A>C. VCF-style: chr11-108335957-A-C. GRCh37 (hg19) VCF-style: chr11-108206684-A-C.
Other names: c.8264A>C, p.Tyr2755Ser (NM_001351834.2); c.641-26886T>G (NM_001330368.2); c.695-665T>G (NM_001351110.2); short protein forms Y2755S.
Identifiers: ClinVar variation 806732 (VCV000806732.27), dbSNP rs1591199410, ClinGen allele CA382562695.